The following is an entry in ClinVar:

ClinVar aggregate classification (germline): Likely pathogenic (1 of 4 stars; one submission).

Submission:

Labcorp Genetics (formerly Invitae), Labcorp
Classification: Likely pathogenic. Last evaluated: 2023-11-06. Review status: criteria provided, single submitter. Criteria: Invitae Variant Classification Sherloc (09022015). Collection method: clinical testing. Allele origin: germline.
Comment: This sequence change affects an acceptor splice site in intron 9 of the TCIRG1 gene. It is expected to disrupt RNA splicing. Variants that disrupt the donor or acceptor splice site typically lead to a loss of protein function (PMID: 16199547), and loss-of-function variants in TCIRG1 are known to be pathogenic (PMID: 10888887, 10942435, 11532986, 19448635). This variant is not present in population databases (gnomAD no frequency). This variant has not been reported in the literature in individuals affected with TCIRG1-related conditions. Algorithms developed to predict the effect of sequence changes on RNA splicing suggest that this variant may disrupt the consensus splice site. In summary, the currently available evidence indicates that the variant is pathogenic, but additional data are needed to prove that conclusively. Therefore, this variant has been classified as Likely Pathogenic.

Literature cited by the submitters: PubMed 16199547; PubMed 10888887; PubMed 10942435; PubMed 11532986; PubMed 19448635.

NM_006019.4(TCIRG1):c.1021-2A>G

Genes: MIR6753 (microRNA 6753; plus strand), TCIRG1 (T cell immune regulator 1, ATPase H+ transporting V0 subunit a3; plus strand). Cytogenetic location: 11q13.2.
Variant type: single nucleotide variant.
Coding change: c.1021-2A>G on transcript NM_006019.4 (MANE Select); the canonical splice acceptor site of the intron before coding-DNA position 1021, A replaced by G.
Molecular consequence: splice acceptor variant. On other transcripts: non-coding transcript variant (1).
Genome position (GRCh38, 1-based): chr11:68,044,956, A>G. VCF-style: chr11-68044956-A-G. GRCh37 (hg19) VCF-style: chr11-67812423-A-G.
Other names: c.127-2A>G (NM_001351059.2); c.373-2A>G (NM_006053.4).
Identifiers: ClinVar variation 2693622 (VCV002693622.3), dbSNP rs1855400542, ClinGen allele CA381581016.
Genomic context (GRCh38, chr11:68,044,956, plus strand): 5'-AGATCCCAGGGTCCCTGAAGGCCCCCGCCACCGTTCTGGTCTGTCTCTGCCCTGGCACCC[A>G]GATGGAGGAGGGAGTGAGTGCCGTGGCTCACCGCATCCCCTGCCGGGACATGCCCCCCAC-3'